The following is an entry in ClinVar:

NM_001267550.2(TTN):c.58228del (p.Tyr19410fs)

Genes: TTN-AS1 (TTN antisense RNA 1; plus strand), TTN (titin; minus strand). Cytogenetic location: 2q31.2.
Variant type: Deletion.
Coding change: c.58228del on transcript NM_001267550.2 (MANE Select); coding-DNA position 58228, one base deleted (T; older notation c.58228delT).
Protein change: p.Tyr19410fs; shifts the reading frame from tyrosine 19410.
Molecular consequence: frameshift variant.
Genome position (GRCh38, 1-based): chr2:178,594,165, A deleted on the plus strand (T on the coding strand, the reverse complement: TTN is on the minus strand); the first of 2 consecutive A bases (chr2:178,594,165-178,594,166); deleting either gives the same sequence. VCF-style (leftmost placement, unchanged base first): chr2-178594164-TA-T. GRCh37 (hg19) VCF-style: chr2-179458891-TA-T.
Other names: c.53305del, p.Tyr17769fs (NM_001256850.1); c.31033del, p.Tyr10345fs (NM_003319.4); c.50524del, p.Tyr16842fs (NM_133378.4); c.31408del, p.Tyr10470fs (NM_133432.3); c.31609del, p.Tyr10537fs (NM_133437.4); short protein forms Y10537fs, Y16842fs, Y10470fs, Y19410fs, Y10345fs, Y17769fs.
Identifiers: ClinVar variation 2945802 (VCV002945802.4), dbSNP rs2469617480, ClinGen allele CA2740090965.
Genomic context (GRCh38, chr2:178,594,164, plus strand): 5'-TCTTCCAGCACATCAGCTTCATCTTTGAACCAGGAAACCTTAGGCTTTGGTTTGCCTGAG[TA>T]ACGGCCAGTGAGGGCAAAAGCTTCACCAACTCGAATCGTGAGCTTATCTCTGAAGTCGAG-3'

ClinVar aggregate classification (germline): Likely pathogenic. Review status: criteria provided, single submitter (1 of 4 stars). 2 submissions from 2 submitters: Likely pathogenic (1). 1 of the submissions does not count toward it. Last evaluated 2023-03-26.

Conditions:
Dilated cardiomyopathy 1G (CMD1G). Identifiers: Orphanet 154, MedGen C1858763, MONDO:0011400, OMIM 604145.
Autosomal recessive limb-girdle muscular dystrophy type 2J (LGMDR10). Also called: Limb-girdle muscular dystrophy, type 2J; MUSCULAR DYSTROPHY, LIMB-GIRDLE, AUTOSOMAL RECESSIVE 10. Identifiers: Orphanet 140922, MedGen C1837342, MONDO:0012127, OMIM 608807.

Submissions (2):

Labcorp Genetics (formerly Invitae), Labcorp
Classification: Likely pathogenic for Dilated cardiomyopathy 1G; Autosomal recessive limb-girdle muscular dystrophy type 2J. Last evaluated: 2023-03-26. Review status: criteria provided, single submitter. Criteria: Invitae Variant Classification Sherloc (09022015). Collection method: clinical testing. Allele origin: germline.
Comment: This variant is not present in population databases (gnomAD no frequency). This sequence change creates a premature translational stop signal (p.Tyr19410Thrfs*26) in the TTN gene. While this is not anticipated to result in nonsense mediated decay, it is expected to create a truncated TTN protein. This variant has not been reported in the literature in individuals affected with TTN-related conditions. In summary, the currently available evidence indicates that the variant is pathogenic, but additional data are needed to prove that conclusively. Therefore, this variant has been classified as Likely Pathogenic. This variant is located in the A band of TTN (PMID: 25589632). Truncating variants in this region are significantly overrepresented in patients affected with dilated cardiomyopathy (PMID: 25589632). Truncating variants in this region have also been reported in individuals affected with autosomal recessive centronuclear myopathy (PMID: 23975875).

Cardiogenetics and Myogenetics Molecular and Cellular Functional Unit, Aphp Sorbonne University-Hopital Pitie Salpetriere
Classification: Likely pathogenic for Dilated cardiomyopathy 1G. Last evaluated: 2024-01-06. Review status: no assertion criteria provided. Collection method: clinical testing. Allele origin: germline. Affected: yes. Not counted in ClinVar's aggregate classification.

Literature cited by the submitters: PubMed 25589632 (cited by Labcorp Genetics (formerly Invitae), Labcorp); PubMed 23975875 (cited by Labcorp Genetics (formerly Invitae), Labcorp).